The following is an entry in ClinVar:

NM_025243.4(SLC19A3):c.776_777del (p.Val259fs)

Gene: SLC19A3 (solute carrier family 19 member 3; minus strand). Cytogenetic location: 2q36.3.
Variant type: Microsatellite.
Coding change: c.776_777del on transcript NM_025243.4 (MANE Select); coding-DNA positions 776 to 777, 2 bases deleted (TG; older notation c.776_777delTG).
Protein change: p.Val259fs; shifts the reading frame from valine 259.
Molecular consequence: frameshift variant.
Genome position (GRCh38, 1-based): chr2:227,698,938-227,698,939, CA deleted on the plus strand (TG on the coding strand, the reverse complement: SLC19A3 is on the minus strand); deleting any 2 consecutive bases within chr2:227,698,938-227,698,941 gives the same sequence; the c. name uses the placement nearest the transcript's 3' end. VCF-style (leftmost placement, unchanged base first): chr2-227698937-CCA-C. GRCh37 (hg19) VCF-style: chr2-228563653-CCA-C.
Other names: c.776_777del, p.Val259fs (NM_001371411.1, NM_001371412.1); c.764_765del, p.Val255fs (NM_001371413.1, NM_001371414.1); short protein forms V255fs, V259fs.
Identifiers: ClinVar variation 1071924 (VCV001071924.7), dbSNP rs2106328737, ClinGen allele CA2580616733.

ClinVar aggregate classification (germline): Pathogenic (1 of 4 stars; one submission).

Conditions:
Biotin-responsive basal ganglia disease (BTBGD). Also called: Thiamine metabolism dysfunction syndrome type 2; THIAMINE METABOLISM DYSFUNCTION SYNDROME 2 (BIOTIN- AND THIAMINE-RESPONSIVE TYPE); Thiamine Transporter-2 Deficiency; Thiamine metabolism dysfunction syndrome 2 (biotin- or thiamine-responsive encephalopathy type 2); thiamine-responsive encephalopathy. Identifiers: Orphanet 199348, Orphanet 65284, MedGen C1843807, MONDO:0011841, OMIM 607483.

Submission:

Labcorp Genetics (formerly Invitae), Labcorp
Classification: Pathogenic for Biotin-responsive basal ganglia disease. Last evaluated: 2020-03-10. Review status: criteria provided, single submitter. Criteria: Invitae Variant Classification Sherloc (09022015). Collection method: clinical testing. Allele origin: germline.
Comment: For these reasons, this variant has been classified as Pathogenic. Loss-of-function variants in SLC19A3 are known to be pathogenic (PMID: 23423671, 23482991). This variant has not been reported in the literature in individuals with SLC19A3-related conditions. This variant is not present in population databases (ExAC no frequency). This sequence change creates a premature translational stop signal (p.Val259Glyfs*34) in the SLC19A3 gene. It is expected to result in an absent or disrupted protein product.

Literature cited by the submitters: PubMed 23423671; PubMed 23482991.